The following is an entry in ClinVar:

NM_005918.4(MDH2):c.478G>A (p.Val160Met)

Gene: MDH2 (malate dehydrogenase 2; plus strand). Cytogenetic location: 7q11.23.
Variant type: single nucleotide variant.
Coding change: c.478G>A on transcript NM_005918.4 (MANE Select); coding-DNA position 478, G replaced by A.
Protein change: p.Val160Met; replaces valine 160 with methionine.
Molecular consequence: missense variant. On other transcripts: intron variant (1).
Genome position (GRCh38, 1-based): chr7:76,060,421, G>A. VCF-style: chr7-76060421-G-A. GRCh37 (hg19) VCF-style: chr7-75689739-G-A.
Other names: c.478G>A (NM_005918.3); c.157G>A, p.Val53Met (NM_001282404.2); c.429+2343G>A (NM_001282403.2); short protein forms V53M, V160M.
Identifiers: ClinVar variation 1361694 (VCV001361694.6), dbSNP rs138541865, ClinGen allele CA4305552.

ClinVar aggregate classification (germline): Uncertain significance. Review status: criteria provided, multiple submitters, no conflicts (2 of 4 stars). 3 submissions from 3 submitters: Uncertain significance (3). Last evaluated 2026-01-19.

Conditions:
MDH2-related disorder. Also called: MDH2-related condition.
Developmental and epileptic encephalopathy, 51 (DEE51). Also called: Epileptic encephalopathy, early infantile, 51. Identifiers: MedGen C4479208, MONDO:0015025, OMIM 617339.

Allele frequency attached by ClinVar (database versions not stated): gnomAD exomes 0.00009 and 0.00014; TOPMed 0.00012; ExAC 0.00016; gnomAD 0.00017; ESP Exome Variant Server 0.00031.
gnomAD v4.1: 158 of 1,614,092 alleles (0.0098%); highest among the groups gnomAD compares: Non-Finnish European, 0.012%; 1 homozygote.

Submissions (3):

Labcorp Genetics (formerly Invitae), Labcorp
Classification: Uncertain significance. Last evaluated: 2026-01-19. Review status: criteria provided, single submitter. Criteria: Invitae Variant Classification Sherloc (09022015). Collection method: clinical testing. Allele origin: germline.
Comment: This sequence change replaces valine, which is neutral and non-polar, with methionine, which is neutral and non-polar, at codon 160 of the MDH2 protein (p.Val160Met). This variant is present in population databases (rs138541865, gnomAD 0.03%). This missense change has been observed in individual(s) with pheochromocytoma or hyperglycemia (PMID: 30008476, 34718610). ClinVar contains an entry for this variant (Variation ID: 1361694). Invitae Evidence Modeling of protein sequence and biophysical properties (such as structural, functional, and spatial information, amino acid conservation, physicochemical variation, residue mobility, and thermodynamic stability) indicates that this missense variant is expected to disrupt MDH2 protein function with a positive predictive value of 80%. Experimental studies are conflicting or provide insufficient evidence to determine the effect of this variant on MDH2 function (PMID: 30008476, 34718610). In summary, the available evidence is currently insufficient to determine the role of this variant in disease. Therefore, it has been classified as a Variant of Uncertain Significance.

PreventionGenetics, part of Exact Sciences
Classification: Uncertain significance for MDH2-related condition. Last evaluated: 2023-05-24. Review status: criteria provided, single submitter. Criteria: ACMG Guidelines, 2015. Collection method: clinical testing. Allele origin: germline.
Comment: The MDH2 c.478G>A variant is predicted to result in the amino acid substitution p.Val160Met. This variant was reported a a germline variant in an individual with pheochromocytoma (PCC) (Patient ID P-7, Calsina et al. 2018. PubMed ID: 30008476) and in the heterozygous state in individuals in a family affected with diabetes mellitus (Italian Family, Thamtarana et al. 2022. PubMed ID: 34718610). Of note, several family members were carriers of the variant but did not display symptoms, however they were younger than 34 years of age - the youngest age at diabetes diagnosis among affected family members, thus suggesting age-dependent penetrance for the variant (Thamtarana et al. 2022. PubMed ID: 34718610). This variant is reported in 0.031% of alleles in individuals of European (Non-Finnish) descent in gnomAD. At this time, the clinical significance of this variant is uncertain due to the absence of conclusive functional and genetic evidence.

Department of Pathology and Laboratory Medicine, Sinai Health System
Classification: Uncertain significance for Developmental and epileptic encephalopathy, 51. Last evaluated: 2023-03-28. Review status: criteria provided, single submitter. Criteria: ACMG Guidelines, 2015. Collection method: research. Allele origin: germline.

Literature cited by the submitters: PubMed 30008476 (cited by Labcorp Genetics (formerly Invitae), Labcorp); PubMed 34718610 (cited by Labcorp Genetics (formerly Invitae), Labcorp).